The following is an entry in ClinVar:

NM_024675.4(PALB2):c.407G>A (p.Ser136Asn)

Gene: PALB2 (partner and localizer of BRCA2; minus strand). Cytogenetic location: 16p12.2.
Variant type: single nucleotide variant.
Coding change: c.407G>A on transcript NM_024675.4 (MANE Select); coding-DNA position 407, G replaced by A.
Protein change: p.Ser136Asn; replaces serine 136 with asparagine.
Molecular consequence: missense variant. On other transcripts: 5 prime UTR variant (8), intron variant (3).
Genome position (GRCh38, 1-based): chr16:23,636,139, C>T on the plus strand (G>A on the coding strand, the complement: PALB2 is on the minus strand). VCF-style: chr16-23636139-C-T. GRCh37 (hg19) VCF-style: chr16-23647460-C-T.
Other names: c.347G>A, p.Ser116Asn (NM_001407296.1); c.407G>A, p.Ser136Asn (NM_001407297.1, NM_001407298.1, NM_001407299.1 and 3 more transcripts); c.-479G>A (NM_001407304.1, NM_001407305.1, NM_001407306.1 and 5 more transcripts); c.48+4971G>A (NM_001407314.1); c.-105+4971G>A (NM_001407313.1, NM_001407312.1); short protein forms S116N, S136N.
Identifiers: ClinVar variation 2893256 (VCV002893256.4), dbSNP rs2142444123, ClinGen allele CA395137382.
Genomic context (GRCh38, chr16:23,636,139, plus strand): 5'-ATAAATGTCCTCTTCTGCTGCTTCTTTCTTCTGCTTGGCAGCTTCTGCTTTTGCTCACCA[C>T]TAGGGTCACTGACCCTGTGGGGAAAATGTTCTTGGGTGTCATCTGTTCTTTGTATAGGTA-3'
Protein context (NP_078951.2, residues 126-146): EHFPHRVSDP[Ser136Asn]GEQKQKLPSR

ClinVar aggregate classification (germline): Uncertain significance. Review status: criteria provided, multiple submitters, no conflicts (2 of 4 stars). 2 submissions from 2 submitters: Uncertain significance (2). Last evaluated 2024-02-26.

Conditions:
Hereditary cancer-predisposing syndrome. Also called: Neoplastic Syndromes, Hereditary; Hereditary neoplastic syndrome; Tumor predisposition; Hereditary Cancer Syndrome. Identifiers: Orphanet 140162, MedGen C0027672, MeSH D009386, MONDO:0015356.
Familial cancer of breast. Also called: BREAST CANCER, FAMILIAL; Hereditary breast cancer; hereditary breast carcinoma. Identifiers: Orphanet 227535, MedGen C0346153, MONDO:0016419, OMIM 114480. Disease mechanism: loss of function.

Submissions (2):

Labcorp Genetics (formerly Invitae), Labcorp
Classification: Uncertain significance for Familial cancer of breast. Last evaluated: 2024-02-26. Review status: criteria provided, single submitter. Criteria: Invitae Variant Classification Sherloc (09022015). Collection method: clinical testing. Allele origin: germline.
Comment: This sequence change replaces serine, which is neutral and polar, with asparagine, which is neutral and polar, at codon 136 of the PALB2 protein (p.Ser136Asn). This variant is not present in population databases (gnomAD no frequency). This variant has not been reported in the literature in individuals affected with PALB2-related conditions. Algorithms developed to predict the effect of missense changes on protein structure and function output the following: SIFT: "Not Available"; PolyPhen-2: "Benign"; Align-GVGD: "Not Available". The asparagine amino acid residue is found in multiple mammalian species, which suggests that this missense change does not adversely affect protein function. In summary, the available evidence is currently insufficient to determine the role of this variant in disease. Therefore, it has been classified as a Variant of Uncertain Significance.

Ambry Genetics
Classification: Uncertain significance for Hereditary cancer-predisposing syndrome. Last evaluated: 2023-12-10. Review status: criteria provided, single submitter. Criteria: Ambry Variant Classification Scheme 2023. Collection method: clinical testing. Allele origin: germline.
Comment: The p.S136N variant (also known as c.407G>A), located in coding exon 4 of the PALB2 gene, results from a G to A substitution at nucleotide position 407. The serine at codon 136 is replaced by asparagine, an amino acid with highly similar properties. This amino acid position is conserved. In addition, this alteration is predicted to be tolerated by in silico analysis. Since supporting evidence is limited at this time, the clinical significance of this alteration remains unclear.